The following is an entry in ClinVar:

ClinVar aggregate classification (germline): Uncertain significance (1 of 4 stars; one submission).

Submission:

Labcorp Genetics (formerly Invitae), Labcorp
Classification: Uncertain significance. Last evaluated: 2023-11-08. Review status: criteria provided, single submitter. Criteria: Invitae Variant Classification Sherloc (09022015). Collection method: clinical testing. Allele origin: germline.
Comment: This sequence change replaces tyrosine, which is neutral and polar, with asparagine, which is neutral and polar, at codon 700 of the MYO5B protein (p.Tyr700Asn). This variant is not present in population databases (gnomAD no frequency). This variant has not been reported in the literature in individuals affected with MYO5B-related conditions. Advanced modeling of protein sequence and biophysical properties (such as structural, functional, and spatial information, amino acid conservation, physicochemical variation, residue mobility, and thermodynamic stability) performed at Invitae indicates that this missense variant is expected to disrupt MYO5B protein function with a positive predictive value of 80%. In summary, the available evidence is currently insufficient to determine the role of this variant in disease. Therefore, it has been classified as a Variant of Uncertain Significance.

NM_001080467.3(MYO5B):c.2098T>A (p.Tyr700Asn)

Gene: MYO5B (myosin VB; minus strand). Cytogenetic location: 18q21.1.
Variant type: single nucleotide variant.
Coding change: c.2098T>A on transcript NM_001080467.3 (MANE Select); coding-DNA position 2098, T replaced by A.
Protein change: p.Tyr700Asn; replaces tyrosine 700 with asparagine.
Molecular consequence: missense variant.
Genome position (GRCh38, 1-based): chr18:49,912,166, A>T on the plus strand (T>A on the coding strand, the complement: MYO5B is on the minus strand). VCF-style: chr18-49912166-A-T. GRCh37 (hg19) VCF-style: chr18-47438536-A-T.
Other names: short protein forms Y700N.
Identifiers: ClinVar variation 2794505 (VCV002794505.3), dbSNP rs2511284083, ClinGen allele CA402439350.